The following is an entry in ClinVar:

ClinVar aggregate classification (germline): Pathogenic (1 of 4 stars; one submission).

Conditions:
Hereditary insensitivity to pain with anhidrosis (CIPA). Also called: hereditary sensory and autonomic neuropathy type 4; HSAN Type IV; NEUROPATHY, CONGENITAL SENSORY, WITH ANHIDROSIS; INSENSITIVITY TO PAIN, CONGENITAL, WITH ANHIDROSIS; FAMILIAL DYSAUTONOMIA, TYPE II; NTRK1 Congenital Insensitivity to Pain with Anhidrosis. Identifiers: Orphanet 642, MedGen C0020074, MONDO:0009746, OMIM 256800.

Submission:

Labcorp Genetics (formerly Invitae), Labcorp
Classification: Pathogenic for Hereditary insensitivity to pain with anhidrosis. Last evaluated: 2022-05-19. Review status: criteria provided, single submitter. Criteria: Invitae Variant Classification Sherloc (09022015). Collection method: clinical testing. Allele origin: germline.
Comment: For these reasons, this variant has been classified as Pathogenic. This variant is also known as c.446_447insTCTG. This premature translational stop signal has been observed in individual(s) with NTRK1-related conditions (PMID: 30774415). In at least one individual the data is consistent with being in trans (on the opposite chromosome) from a pathogenic variant. This variant is not present in population databases (gnomAD no frequency). This sequence change creates a premature translational stop signal (p.His151Serfs*23) in the NTRK1 gene. It is expected to result in an absent or disrupted protein product. Loss-of-function variants in NTRK1 are known to be pathogenic (PMID: 10982191).

Literature cited by the submitters: PubMed 30774415; PubMed 10982191.

NM_002529.4(NTRK1):c.447_450dup (p.His151fs)

Gene: NTRK1 (neurotrophic receptor tyrosine kinase 1; plus strand). Cytogenetic location: 1q23.1.
Variant type: Duplication.
Coding change: c.447_450dup on transcript NM_002529.4 (MANE Select); coding-DNA positions 447 to 450, 4 bases duplicated (TCTG; older notation c.447_450dupTCTG).
Protein change: p.His151fs; shifts the reading frame from histidine 151.
Molecular consequence: frameshift variant.
Genome position (GRCh38, 1-based): chr1:156,868,122-156,868,125, TCTG duplicated. VCF-style (leftmost placement, unchanged base first): chr1-156868121-C-CTCTG. GRCh37 (hg19) VCF-style: chr1-156837913-C-CTCTG.
Other names: c.447_450dup, p.His151Serfs (NM_001007204.1); c.357_360dup, p.His121fs (NM_001007792.1); c.447_450dup, p.His151fs (NM_001012331.2); short protein forms H121fs, H151fs.
Identifiers: ClinVar variation 2169483 (VCV002169483.4), dbSNP rs2525589811, ClinGen allele CA2580061217.